The following is an entry in ClinVar:

NM_001256715.2(DNAAF3):c.1041_1048+1del

Genes: DNAAF3-AS1 (DNAAF3 antisense RNA 1; plus strand), DNAAF3 (dynein axonemal assembly factor 3; minus strand), LOC130065090 (ATAC-STARR-seq lymphoblastoid silent region 11016; plus strand). Cytogenetic location: 19q13.42.
Variant type: Deletion.
Coding change: c.1041_1048+1del on transcript NM_001256715.2 (MANE Select); coding-DNA position 1041 through the canonical splice donor site of the intron after coding-DNA position 1048, 9 bases deleted (GACTCCAGG; older notation c.1041_1048+1delGACTCCAGG).
Molecular consequence: splice donor variant.
Genome position (GRCh38, 1-based): chr19:55,160,639-55,160,647, CCTGGAGTC deleted on the plus strand (GACTCCAGG on the coding strand, the reverse complement: DNAAF3 is on the minus strand); deleting any 9 consecutive bases within chr19:55,160,639-55,160,652 gives the same sequence; the c. name uses the placement nearest the transcript's 3' end. VCF-style (leftmost placement, unchanged base first): chr19-55160638-ACCTGGAGTC-A. GRCh37 (hg19) VCF-style: chr19-55672006-ACCTGGAGTC-A.
Other names: c.1182_1189+1del (NM_178837.4); c.879_886+1del (NM_001256716.2); c.1245_1252+1del (NM_001256714.1); c.1245_1252+1delGACTCCAGG (NM_001256714.1); c.1245_1252+1del9 (NM_001256714.1).
Identifiers: ClinVar variation 454613 (VCV000454613.16), dbSNP rs767677564, ClinGen allele CA9667963.

ClinVar aggregate classification (germline): Conflicting classifications of pathogenicity. Review status: criteria provided, conflicting classifications (1 of 4 stars). 5 submissions from 5 submitters: Likely pathogenic (1); Uncertain significance (4). Last evaluated 2025-09-04.

Conditions:
DNAAF3-related disorder. Also called: DNAAF3-related condition.
Primary ciliary dyskinesia 2. Also called: CILIARY DYSKINESIA, PRIMARY, 2, WITH OR WITHOUT SITUS INVERSUS. Identifiers: Orphanet 244, MedGen C1847554, MONDO:0011718, OMIM 606763.
Primary ciliary dyskinesia. Also called: Ciliary dyskinesia. Identifiers: Orphanet 244, MedGen C0008780, MONDO:0016575, HP:0012265.

Submissions (5):

Ambry Genetics
Classification: Uncertain significance for Primary ciliary dyskinesia. Last evaluated: 2025-09-04. Review status: criteria provided, single submitter. Criteria: Ambry Variant Classification Scheme 2023. Collection method: clinical testing. Allele origin: germline.
Comment: The c.473_480+1delAGGAACAGG alteration is a deletion beginning in coding exon 9 of the DNAAF3 gene and extending 1 nucleotide into intron 9. Alterations that disrupt the canonical splice site are expected to result in aberrant splicing. In silico splice site analysis predicts that this alteration will weaken the native splice donor site and will result in the creation or strengthening of a novel splice donor site. A resulting transcript is predicted to be in-frame and is not expected to trigger nonsense-mediated mRNA decay; although, direct evidence is unavailable. This nucleotide region is highly conserved to not well conserved in available vertebrate species. Based on the available evidence, the clinical significance of this variant remains unclear.

GeneDx
Classification: Uncertain significance. Last evaluated: 2024-01-24. Review status: criteria provided, single submitter. Criteria: GeneDx Variant Classification Process June 2021. Collection method: clinical testing. Allele origin: germline. Affected: yes.
Comment: Canonical splice site variant expected to result in aberrant splicing, although in the absence of functional evidence the actual effect of this sequence change is unknown.; Has not been previously published as pathogenic or benign to our knowledge

PreventionGenetics, part of Exact Sciences
Classification: Uncertain significance for DNAAF3-related condition. Last evaluated: 2023-05-05. Review status: criteria provided, single submitter. Criteria: ACMG Guidelines, 2015. Collection method: clinical testing. Allele origin: germline.
Comment: The DNAAF3 c.1245_1252+1del9 variant is predicted to result in a deletion affecting a canonical splice site. This variant is predicted to create a new splice donor site based on available splicing prediction programs (Alamut Visual Plus v1.6.1), however, such computer prediction programs are imperfect. To our knowledge, this variant has not been reported in the literature. This variant is reported in 0.029% of alleles in individuals of African descent in gnomAD. At this time, the clinical significance of this variant is uncertain due to the absence of conclusive functional and genetic evidence.

Labcorp Genetics (formerly Invitae), Labcorp
Classification: Uncertain significance for Primary ciliary dyskinesia. Last evaluated: 2022-06-03. Review status: criteria provided, single submitter. Criteria: Invitae Variant Classification Sherloc (09022015). Collection method: clinical testing. Allele origin: germline.
Comment: This variant, c.1240_1248del, results in the deletion of 3 amino acid(s) of the DNAAF3 protein (p.Gly414_Pro416del), but otherwise preserves the integrity of the reading frame. In summary, the available evidence is currently insufficient to determine the role of this variant in disease. Therefore, it has been classified as a Variant of Uncertain Significance. Algorithms developed to predict the effect of sequence changes on RNA splicing suggest that this variant may disrupt the consensus splice site. ClinVar contains an entry for this variant (Variation ID: 454613). This variant is also known as c.1245_1252+1del. This variant has not been reported in the literature in individuals affected with DNAAF3-related conditions. This variant is present in population databases (rs767677564, gnomAD 0.03%).

Revvity Omics, Revvity
Classification: Likely pathogenic for Primary ciliary dyskinesia 2. Last evaluated: 2019-12-03. Review status: criteria provided, single submitter. Criteria: ACMG Guidelines, 2015. Collection method: clinical testing. Allele origin: germline.